The following is an entry in ClinVar:

ClinVar aggregate classification (germline): Uncertain significance. Review status: criteria provided, multiple submitters, no conflicts (2 of 4 stars). 4 submissions from 3 submitters: Uncertain significance (2). 2 of the submissions do not count toward it. Last evaluated 2024-07-24.

Conditions:
Epilepsy. Also called: Seizure disorder. Identifiers: MedGen C0014544, MeSH D004827, MONDO:0005027.
Lethal multiple pterygium syndrome (LMPS). Identifiers: Orphanet 33108, MedGen C1854678, MONDO:0009668, OMIM 253290.
Seizure. Also called: Seizures. Identifiers: MedGen C0036572, HP:0001250.

Allele frequency attached by ClinVar (database versions not stated): ExAC 0.00001; gnomAD exomes 0.00002; TOPMed 0.00002; gnomAD 0.00003.
gnomAD v4.1: 28 of 1,614,084 alleles (0.0017%); highest among the groups gnomAD compares: Non-Finnish European, 0.0022%; no homozygotes.

Submissions (4):

Labcorp Genetics (formerly Invitae), Labcorp
Classification: Uncertain significance for Lethal multiple pterygium syndrome. Last evaluated: 2024-07-24. Review status: criteria provided, single submitter. Criteria: Invitae Variant Classification Sherloc (09022015). Collection method: clinical testing. Allele origin: germline.
Comment: This sequence change replaces threonine, which is neutral and polar, with methionine, which is neutral and non-polar, at codon 137 of the CHRNA1 protein (p.Thr137Met). This variant is present in population databases (rs780391418, gnomAD 0.004%). This variant has not been reported in the literature in individuals affected with CHRNA1-related conditions. ClinVar contains an entry for this variant (Variation ID: 425235). Advanced modeling of protein sequence and biophysical properties (such as structural, functional, and spatial information, amino acid conservation, physicochemical variation, residue mobility, and thermodynamic stability) performed at Invitae indicates that this missense variant is not expected to disrupt CHRNA1 protein function with a negative predictive value of 80%. In summary, the available evidence is currently insufficient to determine the role of this variant in disease. Therefore, it has been classified as a Variant of Uncertain Significance.

CeGaT Center for Human Genetics Tuebingen
Classification: Uncertain significance. Last evaluated: 2016-11-01. Review status: criteria provided, single submitter. Criteria: CeGaT Center For Human Genetics Tuebingen Variant Classification Criteria Version 2. Collection method: clinical testing. Allele origin: germline. Affected: yes. Observed: 1 variant allele.

Clinical Molecular Genetics Laboratory, Johns Hopkins All Children's Hospital
Classification: Uncertain significance for Epilepsy. Last evaluated: 2016-09-06. Review status: no assertion criteria provided. Collection method: clinical testing. Allele origin: germline. Affected: yes. Not counted in ClinVar's aggregate classification.

Clinical Molecular Genetics Laboratory, Johns Hopkins All Children's Hospital
Classification: Uncertain significance for Seizures. Last evaluated: 2016-09-06. Review status: no assertion criteria provided. Collection method: clinical testing. Allele origin: germline. Affected: yes. Not counted in ClinVar's aggregate classification.

NM_000079.4(CHRNA1):c.410C>T (p.Thr137Met)

Gene: CHRNA1 (cholinergic receptor nicotinic alpha 1 subunit; minus strand). Cytogenetic location: 2q31.1.
Variant type: single nucleotide variant.
Coding change: c.410C>T on transcript NM_000079.4 (MANE Select); coding-DNA position 410, C replaced by T.
Protein change: p.Thr137Met; replaces threonine 137 with methionine.
Molecular consequence: missense variant.
Genome position (GRCh38, 1-based): chr2:174,754,349, G>A on the plus strand (C>T on the coding strand, the complement: CHRNA1 is on the minus strand). VCF-style: chr2-174754349-G-A. GRCh37 (hg19) VCF-style: chr2-175619077-G-A.
Other names: c.485C>T, p.Thr162Met (NM_001039523.3); short protein forms T162M, T137M.
Identifiers: ClinVar variation 425235 (VCV000425235.47), dbSNP rs780391418, ClinGen allele CA1974553.